The following is an entry in ClinVar:

NM_053025.4(MYLK):c.4921G>A (p.Ala1641Thr)

Gene: MYLK (myosin light chain kinase; minus strand). Cytogenetic location: 3q21.1.
Variant type: single nucleotide variant.
Coding change: c.4921G>A on transcript NM_053025.4 (MANE Select); coding-DNA position 4921, G replaced by A.
Protein change: p.Ala1641Thr; replaces alanine 1641 with threonine.
Molecular consequence: missense variant.
Genome position (GRCh38, 1-based): chr3:123,638,111, C>T on the plus strand (G>A on the coding strand, the complement: MYLK is on the minus strand). VCF-style: chr3-123638111-C-T. GRCh37 (hg19) VCF-style: chr3-123356958-C-T.
Other names: c.4393G>A, p.Ala1465Thr (NM_001321309.2); c.4714G>A, p.Ala1572Thr (NM_053026.4, NM_053028.4); c.4921G>A, p.Ala1641Thr (NM_053027.4); short protein forms A1641T, A1465T, A1572T.
Identifiers: ClinVar variation 2567256 (VCV002567256.4), dbSNP rs751502396, ClinGen allele CA072243.

ClinVar aggregate classification (germline): Uncertain significance. Review status: criteria provided, multiple submitters, no conflicts (2 of 4 stars). 2 submissions from 2 submitters: Uncertain significance (2). Last evaluated 2024-12-12.

Conditions:
Familial thoracic aortic aneurysm and aortic dissection (TAAD). Also called: Thoracic aortic aneurysms and dissections. Identifiers: Orphanet 91387, MedGen C4707243, MONDO:0019625.
Aortic aneurysm, familial thoracic 7 (AAT7). Also called: AORTIC DISSECTION, FAMILIAL, WITH OR WITHOUT AORTIC ANEURYSM. Identifiers: MedGen C3151077, MONDO:0013418, OMIM 613780.

Allele frequency attached by ClinVar (database versions not stated): gnomAD exomes below 0.00001; ExAC 0.00001; gnomAD 0.00001.
gnomAD v4.1: 7 of 1,613,980 alleles (0.00043%); highest among the groups gnomAD compares: East Asian, 0.0022%; no homozygotes.

Submissions (2):

Labcorp Genetics (formerly Invitae), Labcorp
Classification: Uncertain significance for Aortic aneurysm, familial thoracic 7. Last evaluated: 2024-12-12. Review status: criteria provided, single submitter. Criteria: Invitae Variant Classification Sherloc (09022015). Collection method: clinical testing. Allele origin: germline.
Comment: This sequence change replaces alanine, which is neutral and non-polar, with threonine, which is neutral and polar, at codon 1641 of the MYLK protein (p.Ala1641Thr). This variant is present in population databases (rs751502396, gnomAD 0.005%). This variant has not been reported in the literature in individuals affected with MYLK-related conditions. ClinVar contains an entry for this variant (Variation ID: 2567256). Invitae Evidence Modeling of protein sequence and biophysical properties (such as structural, functional, and spatial information, amino acid conservation, physicochemical variation, residue mobility, and thermodynamic stability) indicates that this missense variant is not expected to disrupt MYLK protein function with a negative predictive value of 80%. In summary, the available evidence is currently insufficient to determine the role of this variant in disease. Therefore, it has been classified as a Variant of Uncertain Significance.

Ambry Genetics
Classification: Uncertain significance for Familial thoracic aortic aneurysm and aortic dissection. Last evaluated: 2023-05-27. Review status: criteria provided, single submitter. Criteria: Ambry Variant Classification Scheme 2023. Collection method: clinical testing. Allele origin: germline.
Comment: The p.A1641T variant (also known as c.4921G>A), located in coding exon 26 of the MYLK gene, results from a G to A substitution at nucleotide position 4921. The alanine at codon 1641 is replaced by threonine, an amino acid with similar properties. This amino acid position is conserved. In addition, this alteration is predicted to be tolerated by in silico analysis. Since supporting evidence is limited at this time, the clinical significance of this alteration remains unclear.